The following is an entry in ClinVar:

NM_002227.4(JAK1):c.1278C>T (p.Asp426=)

Gene: JAK1 (Janus kinase 1; minus strand). Cytogenetic location: 1p31.3.
Variant type: single nucleotide variant.
Coding change: c.1278C>T on transcript NM_002227.4 (MANE Select); coding-DNA position 1278, C replaced by T.
Protein change: p.Asp426=; no amino-acid change (aspartic acid 426 retained).
Molecular consequence: synonymous variant.
Genome position (GRCh38, 1-based): chr1:64,860,161, G>A on the plus strand (C>T on the coding strand, the complement: JAK1 is on the minus strand). VCF-style: chr1-64860161-G-A. GRCh37 (hg19) VCF-style: chr1-65325844-G-A.
Other names: c.1278C>T, p.Asp426= (NM_001320923.2, NM_001321852.2, NM_001321853.2 and 4 more transcripts).
Identifiers: ClinVar variation 1592049 (VCV001592049.23), dbSNP rs778443960, ClinGen allele CA892985.
Genomic context (GRCh38, chr1:64,860,161, plus strand): 5'-CAACCAGATTGGACCATGACAGCCATTCTGTATGTTGTGGACGATCAACGGGGGGGCCAC[G>A]TCGGTGCAGAGGTAATGATGGGCATCTGCTGTGAGCCGGAAGTAGCCATCTACCAGGGAC-3'
Protein context (NP_002218.2, residues 416-436): TADAHHYLCT[Asp426=]VAPPLIVHNI

ClinVar aggregate classification (germline): Likely benign. Review status: criteria provided, multiple submitters, no conflicts (2 of 4 stars). 3 submissions from 3 submitters: Likely benign (3). Last evaluated 2024-11-01.

Allele frequency attached by ClinVar (database versions not stated): gnomAD exomes 0.00001 and 0.00005; ExAC 0.00002; TOPMed 0.00003; gnomAD 0.00004; 1000 Genomes Project 30x 0.00031.
gnomAD v4.1: 78 of 1,606,622 alleles (0.0049%); highest among the groups gnomAD compares: Non-Finnish European, 0.006%; no homozygotes.

Submissions (3):

CeGaT Center for Human Genetics Tuebingen
Classification: Likely benign. Last evaluated: 2024-11-01. Review status: criteria provided, single submitter. Criteria: CeGaT Center For Human Genetics Tuebingen Variant Classification Criteria Version 2. Collection method: clinical testing. Allele origin: germline. Affected: yes. Observed: 1 variant allele.
Comment: JAK1: BP4, BP7

Blueprint Genetics
Classification: Likely benign. Last evaluated: 2024-07-17. Review status: criteria provided, single submitter. Criteria: ACMG Guidelines, 2015. Collection method: clinical testing. Allele origin: germline.

Labcorp Genetics (formerly Invitae), Labcorp
Classification: Likely benign. Last evaluated: 2024-03-02. Review status: criteria provided, single submitter. Criteria: Invitae Variant Classification Sherloc (09022015). Collection method: clinical testing. Allele origin: germline.